The following is an entry in ClinVar:

ClinVar aggregate classification (germline): Conflicting classifications of pathogenicity. Review status: criteria provided, conflicting classifications (1 of 4 stars). 2 submissions from 2 submitters: Pathogenic (1); Uncertain significance (1). Last evaluated 2026-02-05.

Conditions:
Hereditary cancer-predisposing syndrome. Also called: Hereditary Cancer Syndrome; Tumor predisposition; Neoplastic Syndromes, Hereditary; Hereditary neoplastic syndrome. Identifiers: Orphanet 140162, MedGen C0027672, MeSH D009386, MONDO:0015356.

Submissions (2):

Ambry Genetics
Classification: Uncertain significance for Hereditary cancer-predisposing syndrome. Last evaluated: 2026-02-05. Review status: criteria provided, single submitter. Criteria: Ambry Variant Classification Scheme 2023. Collection method: clinical testing. Allele origin: germline.
Comment: The p.E1881* variant (also known as c.5641G>T), located in coding exon 41 of the POLE gene, results from a G to T substitution at nucleotide position 5641. This changes the amino acid from a glutamic acid to a stop codon within coding exon 41. This alteration is expected to result in loss of function by premature protein truncation or nonsense-mediated mRNA decay. Although biallelic loss of function of POLE has been associated with autosomal recessive POLE deficiency, haploinsufficiency of POLE has not been established as a mechanism of disease for POLE-related polymerase proofreading-associated polyposis (PPAP) and POLE-related CMMRD-like syndrome. Based on the supporting evidence, this variant is expected to be causative of POLE deficiency when present along with a second pathogenic variant on the other allele; however, its clinical significance for PPAP and POLE-related CMMRD-like syndrome is unclear/unlikely.

Labcorp Genetics (formerly Invitae), Labcorp
Classification: Pathogenic. Last evaluated: 2022-05-21. Review status: criteria provided, single submitter. Criteria: Invitae Variant Classification Sherloc (09022015). Collection method: clinical testing. Allele origin: germline.
Comment: This sequence change creates a premature translational stop signal (p.Glu1881*) in the POLE gene. It is expected to result in an absent or disrupted protein product. Loss-of-function variants in POLE are known to be pathogenic (PMID: 23230001, 25948378, 30503519). This variant is not present in population databases (gnomAD no frequency). This variant has not been reported in the literature in individuals affected with POLE-related conditions. ClinVar contains an entry for this variant (Variation ID: 825869). For these reasons, this variant has been classified as Pathogenic.

Literature cited by the submitters: PubMed 23230001 (cited by Labcorp Genetics (formerly Invitae), Labcorp); PubMed 25948378 (cited by Labcorp Genetics (formerly Invitae), Labcorp); PubMed 30503519 (cited by Labcorp Genetics (formerly Invitae), Labcorp).

NM_006231.4(POLE):c.5641G>T (p.Glu1881Ter)

Gene: POLE (DNA polymerase epsilon, catalytic subunit; minus strand). Cytogenetic location: 12q24.33.
Variant type: single nucleotide variant.
Coding change: c.5641G>T on transcript NM_006231.4 (MANE Select); coding-DNA position 5641, G replaced by T.
Protein change: p.Glu1881Ter; replaces glutamic acid 1881 with a stop codon.
Molecular consequence: nonsense.
Genome position (GRCh38, 1-based): chr12:132,638,051, C>A on the plus strand (G>T on the coding strand, the complement: POLE is on the minus strand). VCF-style: chr12-132638051-C-A. GRCh37 (hg19) VCF-style: chr12-133214637-C-A.
Other names: short protein forms E1881*.
Identifiers: ClinVar variation 825869 (VCV000825869.10), dbSNP rs1593719605, ClinGen allele CA387374018.